The following is an entry in ClinVar:

NM_000414.4(HSD17B4):c.1597G>T (p.Gly533Ter)

Gene: HSD17B4 (hydroxysteroid 17-beta dehydrogenase 4; plus strand). Cytogenetic location: 5q23.1.
Variant type: single nucleotide variant.
Coding change: c.1597G>T on transcript NM_000414.4 (MANE Select); coding-DNA position 1597, G replaced by T.
Protein change: p.Gly533Ter; replaces glycine 533 with a stop codon.
Molecular consequence: nonsense. On other transcripts: non-coding transcript variant (2).
Genome position (GRCh38, 1-based): chr5:119,525,940, G>T. VCF-style: chr5-119525940-G-T. GRCh37 (hg19) VCF-style: chr5-118861635-G-T.
Other names: c.1672G>T, p.Gly558Ter (NM_001199291.3); c.1543G>T, p.Gly515Ter (NM_001199292.2); c.1525G>T, p.Gly509Ter (NM_001292027.2, NM_001374498.1); c.1177G>T, p.Gly393Ter (NM_001292028.2); c.1588G>T, p.Gly530Ter (NM_001374497.1); c.1270G>T, p.Gly424Ter (NM_001374499.1); c.1156G>T, p.Gly386Ter (NM_001374500.1); c.1186G>T, p.Gly396Ter (NM_001374501.1, NM_001374502.1, NM_001374503.1); short protein forms G386*, G393*, G396*, G424*, G509*, G515*, G530*, G533*.
Identifiers: ClinVar variation 1725256 (VCV001725256.3), dbSNP rs2531911970, ClinGen allele CA360869246.

ClinVar aggregate classification (germline): Likely pathogenic (1 of 4 stars; one submission).

Conditions:
Bifunctional peroxisomal enzyme deficiency (DBIF). Also called: DBP DEFICIENCY; PBFE DEFICIENCY; D-bifunctional protein deficiency. Identifiers: Orphanet 300, MedGen C0342870, MONDO:0009855, OMIM 261515. Disease mechanism: loss of function.

Submission:

Myriad Genetics, Inc.
Classification: Likely pathogenic for Bifunctional peroxisomal enzyme deficiency. Last evaluated: 2022-03-15. Review status: criteria provided, single submitter. Criteria: Myriad Autosomal Dominant, Autosomal Recessive and X-Linked Classification Criteria (2023). Collection method: clinical testing. Allele origin: unknown.
Comment: NM_000414.3(HSD17B4):c.1597G>T(G533*) is expected to be pathogenic in the context of HSD17B4-related disorders. This variant is predicted to lead to an abnormal or absent protein product due to the creation of a premature termination codon in HSD17B4, a gene where loss-of-function variants are known to be pathogenic. Please note: this variant was assessed in the context of healthy population screening.